The following is an entry in ClinVar:

NM_024649.5(BBS1):c.1429C>T (p.Pro477Ser)

Genes: BBS1 (Bardet-Biedl syndrome 1; plus strand), ZDHHC24 (zDHHC palmitoyltransferase 24; minus strand). Cytogenetic location: 11q13.2.
Variant type: single nucleotide variant.
Coding change: c.1429C>T on transcript NM_024649.5 (MANE Select); coding-DNA position 1429, C replaced by T.
Protein change: p.Pro477Ser; replaces proline 477 with serine.
Molecular consequence: missense variant. On other transcripts: intron variant (1).
Genome position (GRCh38, 1-based): chr11:66,529,908, C>T. VCF-style: chr11-66529908-C-T. GRCh37 (hg19) VCF-style: chr11-66297379-C-T.
Other names: c.560-420G>A (NM_001348571.2); short protein forms P477S.
Identifiers: ClinVar variation 4994645 (VCV004994645.1).

ClinVar aggregate classification (germline): Uncertain significance (1 of 4 stars; one submission).

Conditions:
BBS1-related disorder. Also called: BBS1-related condition.

gnomAD v4.1: 1 of 1,606,936 alleles (0.000062%); highest among the groups gnomAD compares: South Asian, 0.0011%; no homozygotes.

Submission:

PreventionGenetics, part of Exact Sciences
Classification: Uncertain significance for BBS1-related condition. Last evaluated: 2026-06-29. Review status: criteria provided, single submitter. Criteria: ACMG Guidelines, 2015. Collection method: clinical testing. Allele origin: germline.
Comment: The BBS1 c.1429C>T variant is predicted to result in the amino acid substitution p.Pro477Ser. To our knowledge, this variant has not been reported in the literature or in a large population database (gnomAD), indicating this variant is rare. At this time, the clinical significance of this variant is uncertain due to the absence of conclusive functional and genetic evidence.